The following is an entry in ClinVar:

NM_001035.3(RYR2):c.2512C>G (p.Arg838Gly)

Gene: RYR2 (ryanodine receptor 2; plus strand). Cytogenetic location: 1q43.
Variant type: single nucleotide variant.
Coding change: c.2512C>G on transcript NM_001035.3 (MANE Select); coding-DNA position 2512, C replaced by G.
Protein change: p.Arg838Gly; replaces arginine 838 with glycine.
Molecular consequence: missense variant.
Genome position (GRCh38, 1-based): chr1:237,503,404, C>G. VCF-style: chr1-237503404-C-G. GRCh37 (hg19) VCF-style: chr1-237666704-C-G.
Other names: c.2512C>G (NM_001035.2); short protein forms R838G.
Identifiers: ClinVar variation 920332 (VCV000920332.15), dbSNP rs1407524067, ClinGen allele CA345379247.

ClinVar aggregate classification (germline): Conflicting classifications of pathogenicity. Review status: criteria provided, conflicting classifications (1 of 4 stars). 5 submissions from 5 submitters: Uncertain significance (4); Likely benign (1). Last evaluated 2025-07-05.

Conditions:
Catecholaminergic polymorphic ventricular tachycardia (CVPT). Also called: Catecholamine-induced polymorphic ventricular tachycardia. Identifiers: Orphanet 3286, MedGen C5574922, MONDO:0017990.
Cardiovascular phenotype. Identifiers: MedGen CN230736.
Cardiomyopathy (CMYO). Also called: Cardiomyopathies. Identifiers: Orphanet 167848, MedGen C0878544, MONDO:0004994, HP:0001638. Inheritance: Various modes of inheritance.
Catecholaminergic polymorphic ventricular tachycardia 1. Also called: VENTRICULAR TACHYCARDIA, CATECHOLAMINERGIC POLYMORPHIC, 1, WITH OR WITHOUT ATRIAL DYSFUNCTION AND/OR DILATED CARDIOMYOPATHY; RYR2-Related Catecholaminergic Polymorphic Ventricular Tachycardia; VENTRICULAR TACHYCARDIA, STRESS-INDUCED POLYMORPHIC 1. Identifiers: Orphanet 3286, MedGen C1631597, MONDO:0011484, OMIM 604772.

Allele frequency attached by ClinVar (database versions not stated): gnomAD exomes below 0.00001; TOPMed 0.00002; gnomAD 0.00003 and 0.00004.
gnomAD v4.1: 8 of 1,613,716 alleles (0.0005%); highest among the groups gnomAD compares: African/African-American, 0.0094%; no homozygotes.

Submissions (5):

Labcorp Genetics (formerly Invitae), Labcorp
Classification: Likely benign for Catecholaminergic polymorphic ventricular tachycardia 1. Last evaluated: 2025-07-05. Review status: criteria provided, single submitter. Criteria: Invitae Variant Classification Sherloc (09022015). Collection method: clinical testing. Allele origin: germline.

GeneDx
Classification: Uncertain significance. Last evaluated: 2025-05-15. Review status: criteria provided, single submitter. Criteria: GeneDx Variant Classification Process June 2021. Collection method: clinical testing. Allele origin: germline. Affected: yes.
Comment: In silico analysis supports that this missense variant has a deleterious effect on protein structure/function; Has not been previously published as pathogenic or benign to our knowledge; Not located in one of the three hot-spot regions of the RYR2 gene, where the majority of pathogenic missense variants occur (PMID: 19926015); This variant is associated with the following publications: (PMID: 19926015)

All of Us Research Program, National Institutes of Health
Classification: Uncertain significance for Catecholaminergic polymorphic ventricular tachycardia. Last evaluated: 2024-04-16. Review status: criteria provided, single submitter. Criteria: ACMG Guidelines, 2015. Collection method: clinical testing. Allele origin: germline. Inheritance: Autosomal dominant inheritance. Observed: 3 variant alleles, 3 heterozygotes.
Comment: This variant is located in the RYR2 protein. Computational prediction is inconclusive regarding the impact of this variant on protein structure and function (internally defined REVEL score threshold 0.5 < inconclusive < 0.7, PMID: 27666373). To our knowledge, functional studies have not been reported for this variant. This variant has not been reported in individuals affected with cardiovascular disorders in the literature. This variant has been identified in 2/31370 chromosomes in the general population by the Genome Aggregation Database (gnomAD). The available evidence is insufficient to determine the role of this variant in disease conclusively. Therefore, this variant is classified as a Variant of Uncertain Significance.

This study involves interpretation of variants in research participants for the purpose of population health screening. Participant phenotype was not available at the time of variant classification. Additional details can be found in publication PMID: 35346344, PMCID: PMC8962531

Color Diagnostics, LLC DBA Color Health
Classification: Uncertain significance for Cardiomyopathy. Last evaluated: 2024-03-06. Review status: criteria provided, single submitter. Criteria: ACMG Guidelines, 2015. Collection method: clinical testing. Allele origin: germline.
Comment: This variant is located in the RYR2 protein. Computational prediction is inconclusive regarding the impact of this variant on protein structure and function (internally defined REVEL score threshold 0.5 < inconclusive < 0.7, PMID: 27666373). To our knowledge, functional studies have not been reported for this variant. This variant has not been reported in individuals affected with cardiovascular disorders in the literature. This variant has been identified in 2/31370 chromosomes in the general population by the Genome Aggregation Database (gnomAD). The available evidence is insufficient to determine the role of this variant in disease conclusively. Therefore, this variant is classified as a Variant of Uncertain Significance.

Ambry Genetics
Classification: Uncertain significance for Cardiovascular phenotype. Last evaluated: 2023-11-21. Review status: criteria provided, single submitter. Criteria: Ambry Variant Classification Scheme 2023. Collection method: clinical testing. Allele origin: germline.
Comment: The p.R838G variant (also known as c.2512C>G), located in coding exon 22 of the RYR2 gene, results from a C to G substitution at nucleotide position 2512. The arginine at codon 838 is replaced by glycine, an amino acid with dissimilar properties. This amino acid position is not well conserved in available vertebrate species. In addition, this alteration is predicted to be deleterious by in silico analysis. Since supporting evidence is limited at this time, the clinical significance of this alteration remains unclear.